The following is an entry in ClinVar:

NM_025114.4(CEP290):c.2329A>G (p.Ile777Val)

Gene: CEP290 (centrosomal protein 290; minus strand). Cytogenetic location: 12q21.32.
Variant type: single nucleotide variant.
Coding change: c.2329A>G on transcript NM_025114.4 (MANE Select); coding-DNA position 2329, A replaced by G.
Protein change: p.Ile777Val; replaces isoleucine 777 with valine.
Molecular consequence: missense variant.
Genome position (GRCh38, 1-based): chr12:88,111,240, T>C on the plus strand (A>G on the coding strand, the complement: CEP290 is on the minus strand). VCF-style: chr12-88111240-T-C. GRCh37 (hg19) VCF-style: chr12-88505017-T-C.
Other names: c.2329A>G (NM_025114.3); short protein forms I777V.
Identifiers: ClinVar variation 1040811 (VCV001040811.8), dbSNP rs2038667110, ClinGen allele CA385974511.

ClinVar aggregate classification (germline): Uncertain significance. Review status: criteria provided, multiple submitters, no conflicts (2 of 4 stars). 4 submissions from 4 submitters: Uncertain significance (2). 2 of the submissions do not count toward it. Last evaluated 2023-01-06.

Conditions:
CEP290-related disorder. Also called: CEP290-related condition; CEP290-related disorders. Identifiers: MedGen CN239314.
Inborn genetic diseases. Identifiers: MedGen C0950123, MeSH D030342.
Joubert syndrome. Also called: Familial aplasia of the vermis; CEREBELLOPARENCHYMAL DISORDER IV; JOUBERT-BOLTSHAUSER SYNDROME. Identifiers: Orphanet 475, MedGen C5979921, MONDO:0018772.
Meckel-Gruber syndrome. Also called: Dysencephalia splachnocystica; DYSENCEPHALIA SPLANCHNOCYSTICA; GRUBER SYNDROME. Identifiers: Orphanet 564, MedGen C0265215, MONDO:0018921.
Nephronophthisis. Also called: Juvenile Nephronophthisis. Identifiers: Orphanet 655, MedGen C0687120, MONDO:0019005, HP:0000090.
Leber congenital amaurosis (LCA). Also called: Leber's amaurosis. Identifiers: Orphanet 65, MedGen C0339527, MeSH D057130, MONDO:0018998.

Allele frequency attached by ClinVar (database versions not stated): gnomAD 0.00001; gnomAD exomes 0.00001.
gnomAD v4.1: 13 of 1,452,200 alleles (0.0009%); highest among the groups gnomAD compares: Admixed American, 0.0054%; no homozygotes.

Submissions (4):

Ambry Genetics
Classification: Uncertain significance for Inborn genetic diseases. Last evaluated: 2023-01-06. Review status: criteria provided, single submitter. Criteria: Ambry Variant Classification Scheme 2023. Collection method: clinical testing. Allele origin: germline.

Labcorp Genetics (formerly Invitae), Labcorp
Classification: Uncertain significance for Joubert syndrome; Meckel-Gruber syndrome; Nephronophthisis. Last evaluated: 2022-08-15. Review status: criteria provided, single submitter. Criteria: Invitae Variant Classification Sherloc (09022015). Collection method: clinical testing. Allele origin: germline.
Comment: This sequence change replaces isoleucine, which is neutral and non-polar, with valine, which is neutral and non-polar, at codon 777 of the CEP290 protein (p.Ile777Val). This variant is not present in population databases (gnomAD no frequency). This variant has not been reported in the literature in individuals affected with CEP290-related conditions. ClinVar contains an entry for this variant (Variation ID: 1040811). Algorithms developed to predict the effect of missense changes on protein structure and function are either unavailable or do not agree on the potential impact of this missense change (SIFT: "Deleterious"; PolyPhen-2: "Possibly Damaging"; Align-GVGD: "Class C0"). In summary, the available evidence is currently insufficient to determine the role of this variant in disease. Therefore, it has been classified as a Variant of Uncertain Significance.

Natera, Inc.
Classification: Uncertain significance for Leber congenital amaurosis. Last evaluated: 2025-01-04. Review status: no assertion criteria provided. Collection method: clinical testing. Allele origin: germline. Not counted in ClinVar's aggregate classification.

PreventionGenetics, part of Exact Sciences
Classification: Uncertain significance for CEP290-related condition. Last evaluated: 2024-02-09. Review status: no assertion criteria provided. Collection method: clinical testing. Allele origin: germline. Not counted in ClinVar's aggregate classification.
Comment: The CEP290 c.2329A>G variant is predicted to result in the amino acid substitution p.Ile777Val. To our knowledge, this variant has not been reported in the literature or in a large population database, indicating this variant is rare. At this time, the clinical significance of this variant is uncertain due to the absence of conclusive functional and genetic evidence.